The following is an entry in ClinVar:

ClinVar aggregate classification (germline): Conflicting classifications of pathogenicity. Review status: criteria provided, conflicting classifications (1 of 4 stars). 3 submissions from 3 submitters: Uncertain significance (1); Likely benign (2). Last evaluated 2025-09-08.

Conditions:
Lung carcinoma. Identifiers: MedGen C0684249, MONDO:0005138.
Hereditary cancer-predisposing syndrome. Also called: Tumor predisposition; Neoplastic Syndromes, Hereditary; Hereditary Cancer Syndrome; Hereditary neoplastic syndrome. Identifiers: Orphanet 140162, MedGen C0027672, MeSH D009386, MONDO:0015356.
EGFR-related lung cancer (EGFR). Identifiers: MedGen CN130014.

Allele frequency attached by ClinVar (database versions not stated): TOPMed 0.00001.
gnomAD v4.1: 2 of 1,614,076 alleles (0.00012%); highest among the groups gnomAD compares: African/African-American, 0.0027%; no homozygotes.

Submissions (3):

Ambry Genetics
Classification: Likely benign for Hereditary cancer-predisposing syndrome. Last evaluated: 2025-09-08. Review status: criteria provided, single submitter. Criteria: Ambry Variant Classification Scheme 2023. Collection method: clinical testing. Allele origin: germline.

Labcorp Genetics (formerly Invitae), Labcorp
Classification: Uncertain significance for EGFR-related lung cancer. Last evaluated: 2024-08-08. Review status: criteria provided, single submitter. Criteria: Invitae Variant Classification Sherloc (09022015). Collection method: clinical testing. Allele origin: germline.
Comment: This sequence change replaces leucine, which is neutral and non-polar, with proline, which is neutral and non-polar, at codon 184 of the EGFR protein (p.Leu184Pro). This variant is not present in population databases (gnomAD no frequency). This variant has not been reported in the literature in individuals affected with EGFR-related conditions. ClinVar contains an entry for this variant (Variation ID: 802314). Advanced modeling of protein sequence and biophysical properties (such as structural, functional, and spatial information, amino acid conservation, physicochemical variation, residue mobility, and thermodynamic stability) performed at Invitae indicates that this missense variant is not expected to disrupt EGFR protein function with a negative predictive value of 80%. In summary, the available evidence is currently insufficient to determine the role of this variant in disease. Therefore, it has been classified as a Variant of Uncertain Significance.

Mendelics
Classification: Likely benign for Lung cancer. Last evaluated: 2019-05-28. Review status: criteria provided, single submitter. Criteria: Mendelics Assertion Criteria 2017. Collection method: clinical testing. Allele origin: unknown.

NM_005228.5(EGFR):c.551T>C (p.Leu184Pro)

Gene: EGFR (epidermal growth factor receptor; plus strand). Cytogenetic location: 7p11.2.
Variant type: single nucleotide variant.
Coding change: c.551T>C on transcript NM_005228.5 (MANE Select); coding-DNA position 551, T replaced by C.
Protein change: p.Leu184Pro; replaces leucine 184 with proline.
Molecular consequence: missense variant. On other transcripts: intron variant (3).
Genome position (GRCh38, 1-based): chr7:55,146,732, T>C. VCF-style: chr7-55146732-T-C. GRCh37 (hg19) VCF-style: chr7-55214425-T-C.
Other names: c.551T>C, p.Leu184Pro (NM_001346898.2, NM_201282.2, NM_201283.2 and 1 more transcripts); c.392T>C, p.Leu131Pro (NM_001346900.2); c.424+3244T>C (NM_001346899.2, NM_001346897.2); c.89-9098T>C (NM_001346941.2); c.551T>C (NM_005228.3); short protein forms L131P, L184P.
Identifiers: ClinVar variation 802314 (VCV000802314.10), dbSNP rs921852102, ClinGen allele CA367576746.